The following is an entry in ClinVar:

NM_000548.5(TSC2):c.2743-18G>A

Gene: TSC2 (TSC complex subunit 2; plus strand). Cytogenetic location: 16p13.3.
Variant type: single nucleotide variant.
Coding change: c.2743-18G>A on transcript NM_000548.5 (MANE Select); 18 bases into the intron before coding-DNA position 2743, G replaced by A.
Molecular consequence: intron variant.
Genome position (GRCh38, 1-based): chr16:2,076,473, G>A. VCF-style: chr16-2076473-G-A. GRCh37 (hg19) VCF-style: chr16-2126474-G-A.
Other names: c.2743-18G>A (NM_001114382.3, NM_021055.3, NM_001370405.1 and 3 more transcripts); c.2632-18G>A (NM_001318827.2); c.2143-18G>A (NM_001318831.2); c.2596-18G>A (NM_001318829.2); c.2776-18G>A (NM_001318832.2).
Identifiers: ClinVar variation 512449 (VCV000512449.9), dbSNP rs199539512, ClinGen allele CA041588.

ClinVar aggregate classification (germline): Likely benign. Review status: criteria provided, multiple submitters, no conflicts (2 of 4 stars). 3 submissions from 3 submitters: Likely benign (3). Last evaluated 2025-12-15.

Conditions:
Tuberous sclerosis 2 (TSC2). Identifiers: Orphanet 805, MedGen C1860707, MONDO:0013199, OMIM 613254.

Allele frequency attached by ClinVar (database versions not stated): TOPMed below 0.00001.
gnomAD v4.1: 9 of 1,613,100 alleles (0.00056%); highest among the groups gnomAD compares: South Asian, 0.0088%; no homozygotes.

Submissions (3):

Labcorp Genetics (formerly Invitae), Labcorp
Classification: Likely benign for Tuberous sclerosis 2. Last evaluated: 2025-12-15. Review status: criteria provided, single submitter. Criteria: Invitae Variant Classification Sherloc (09022015). Collection method: clinical testing. Allele origin: germline.

Myriad Genetics, Inc.
Classification: Likely benign for Tuberous sclerosis 2. Last evaluated: 2025-05-22. Review status: criteria provided, single submitter. Criteria: Myriad Autosomal Dominant, Autosomal Recessive and X-Linked Classification Criteria (2023). Collection method: clinical testing. Allele origin: unknown.
Comment: This variant is considered likely benign. This variant is intronic and is not expected to impact mRNA splicing.

GeneDx
Classification: Likely benign. Last evaluated: 2017-10-03. Review status: criteria provided, single submitter. Criteria: GeneDx Variant Classification (06012015). Collection method: clinical testing. Allele origin: germline. Affected: yes.
Comment: This variant is considered likely benign or benign based on one or more of the following criteria: it is a conservative change, it occurs at a poorly conserved position in the protein, it is predicted to be benign by multiple in silico algorithms, and/or has population frequency not consistent with disease.